The following is an entry in ClinVar:

ClinVar aggregate classification (germline): Uncertain significance (1 of 4 stars; one submission).

Allele frequency attached by ClinVar (database versions not stated): gnomAD exomes below 0.00001; gnomAD 0.00001; TOPMed 0.00001.
gnomAD v4.1: 4 of 1,561,596 alleles (0.00026%); highest among the groups gnomAD compares: Admixed American, 0.0019%; no homozygotes.

Submission:

GeneDx
Classification: Uncertain significance. Last evaluated: 2022-04-15. Review status: criteria provided, single submitter. Criteria: GeneDx Variant Classification Process June 2021. Collection method: clinical testing. Allele origin: germline. Affected: yes.
Comment: In silico analysis supports that this missense variant has a deleterious effect on protein structure/function; Has not been previously published as pathogenic or benign to our knowledge

NM_016148.5(SHANK1):c.2090C>T (p.Pro697Leu)

Gene: SHANK1 (SH3 and multiple ankyrin repeat domains 1; minus strand). Cytogenetic location: 19q13.33.
Variant type: single nucleotide variant.
Coding change: c.2090C>T on transcript NM_016148.5 (MANE Select); coding-DNA position 2090, C replaced by T.
Protein change: p.Pro697Leu; replaces proline 697 with leucine.
Molecular consequence: missense variant.
Genome position (GRCh38, 1-based): chr19:50,688,926, G>A on the plus strand (C>T on the coding strand, the complement: SHANK1 is on the minus strand). VCF-style: chr19-50688926-G-A. GRCh37 (hg19) VCF-style: chr19-51192183-G-A.
Other names: short protein forms P697L.
Identifiers: ClinVar variation 1710855 (VCV001710855.2), dbSNP rs1052513622, ClinGen allele CA309643360.
Genomic context (GRCh38, chr19:50,688,926, plus strand): 5'-CGCAGTCCAGCTCGCCATGCCACGCCACCCTCGTCCACCGACTCCAGGTACTGCAGCGCC[G>A]GGAAGGCCGGGGTGGGGGTGAACTCCTCGATGGGGGTCTGCGCTGCAGACAGGGAGGAGC-3'
Protein context (NP_057232.2, residues 687-707): IEEFTPTPAF[Pro697Leu]ALQYLESVDE